The following is an entry in ClinVar:

NM_001374828.1(ARID1B):c.1293_1314del (p.Gly434fs)

Gene: ARID1B (AT-rich interaction domain 1B; plus strand). Cytogenetic location: 6q25.3.
Variant type: Deletion.
Coding change: c.1293_1314del on transcript NM_001374828.1 (MANE Select); coding-DNA positions 1293 to 1314, 22 bases deleted (AGCAGCAGGAGGCGGCGGCGGC).
Protein change: p.Gly434fs; shifts the reading frame from glycine 434.
Molecular consequence: frameshift variant.
Genome position (GRCh38, 1-based): chr6:156,778,973-156,778,994, AGCAGCAGGAGGCGGCGGCGGC deleted; deleting any 22 consecutive bases within chr6:156,778,961-156,778,994 gives the same sequence; the c. name uses the placement nearest the transcript's 3' end. VCF-style (leftmost placement, unchanged base first): chr6-156778960-CGGCGGCGGCGGCAGCAGCAGGA-C. GRCh37 (hg19) VCF-style: chr6-157100094-CGGCGGCGGCGGCAGCAGCAGGA-C.
Other names: c.1044_1065del22 (NM_020732.3); c.1293_1314del, p.Gly434fs (NM_001371656.1, NM_001374820.1, NM_017519.3); c.1044_1065del (NM_020732.3); short protein forms G434fs.
Identifiers: ClinVar variation 985116 (VCV000985116.12), dbSNP rs1778945620, ClinGen allele CA1139659904.

ClinVar aggregate classification (germline): Pathogenic. Review status: criteria provided, multiple submitters, no conflicts (2 of 4 stars). 4 submissions from 4 submitters: Pathogenic (3). 1 of the submissions does not count toward it. Last evaluated 2026-09-04.

Conditions:
Inborn genetic diseases. Identifiers: MedGen C0950123, MeSH D030342.
ARID1B-Related Disorder. Identifiers: MedGen CN381337.

Submissions (4):

GeneDx
Classification: Pathogenic. Last evaluated: 2026-09-04. Review status: criteria provided, single submitter. Criteria: GeneDx Variant Classification Process June 2021. Collection method: clinical testing. Allele origin: germline.
Comment: Reported previously as a pathogenic variant in a patient with intellectual disability; detailed clinical information and parental testing unavailable (PMID: 30349098); Frameshift variant predicted to result in protein truncation or nonsense mediated decay in a gene for which loss of function is a known mechanism of disease; Not observed at significant frequency in large population cohorts (gnomAD); This variant is associated with the following publications: (PMID: 37500730, 30349098, 41153384)

CeGaT Center for Human Genetics Tuebingen
Classification: Pathogenic. Last evaluated: 2025-12-01. Review status: criteria provided, single submitter. Criteria: CeGaT Center For Human Genetics Tuebingen Variant Classification Criteria Version 2. Collection method: clinical testing. Allele origin: germline. Affected: yes. Observed: 1 variant allele.
Comment: ARID1B: PVS1, PM2, PS4:Supporting

Ambry Genetics
Classification: Pathogenic for Inborn genetic diseases. Last evaluated: 2019-05-13. Review status: criteria provided, single submitter. Criteria: Ambry exome assertion method (8-5-2015). Collection method: clinical testing. Allele origin: germline. Affected: yes. Observed: 1 variant allele.

PreventionGenetics, part of Exact Sciences
Classification: Pathogenic for ARID1B-related condition. Last evaluated: 2023-12-22. Review status: no assertion criteria provided. Collection method: clinical testing. Allele origin: germline. Not counted in ClinVar's aggregate classification.
Comment: The ARID1B c.1044_1065del22 variant is predicted to result in a frameshift and premature protein termination (p.Gly351Metfs*11). This variant has been reported in an individual from an intellectual disability cohort; however, no clinical details were provided (Table S1, Patient ID 146, van der Sluijs et al. 2019. PubMed ID: 30349098). This variant has not been reported in a large population database, indicating this variant is rare. A similar variant resulting in a frameshift at amino acid 351 (c.1044_1062del, p.Gly351Alafs*12) has been reported in patient with neonatal hypotonia, feeding difficulties, developmental delay, and other neurological features, and was found to be inherited from a mildly affected father (Case 7 in van der Sluijs et al. 2021. PubMed ID: 34440449). Frameshift variants in ARID1B are expected to be pathogenic. This variant is interpreted as pathogenic.